The following is an entry in ClinVar:

ClinVar aggregate classification (germline): Uncertain significance (1 of 4 stars; one submission).

Conditions:
Hereditary cancer-predisposing syndrome. Also called: Hereditary neoplastic syndrome; Tumor predisposition; Hereditary Cancer Syndrome; Neoplastic Syndromes, Hereditary. Identifiers: Orphanet 140162, MedGen C0027672, MeSH D009386, MONDO:0015356.

Submission:

Ambry Genetics
Classification: Uncertain significance for Hereditary cancer-predisposing syndrome. Last evaluated: 2023-09-13. Review status: criteria provided, single submitter. Criteria: Ambry Variant Classification Scheme 2023. Collection method: clinical testing. Allele origin: germline.
Comment: The p.E376Q variant (also known as c.1126G>C), located in coding exon 9 of the SUFU gene, results from a G to C substitution at nucleotide position 1126. The glutamic acid at codon 376 is replaced by glutamine, an amino acid with highly similar properties. This amino acid position is conserved. In addition, the in silico prediction for this alteration is inconclusive. Since supporting evidence is limited at this time, the clinical significance of this alteration remains unclear.

NM_016169.4(SUFU):c.1126G>C (p.Glu376Gln)

Gene: SUFU (SUFU negative regulator of hedgehog signaling; plus strand). Cytogenetic location: 10q24.32.
Variant type: single nucleotide variant.
Coding change: c.1126G>C on transcript NM_016169.4 (MANE Select); coding-DNA position 1126, G replaced by C.
Protein change: p.Glu376Gln; replaces glutamic acid 376 with glutamine.
Molecular consequence: missense variant.
Genome position (GRCh38, 1-based): chr10:102,615,371, G>C. VCF-style: chr10-102615371-G-C. GRCh37 (hg19) VCF-style: chr10-104375128-G-C.
Other names: c.1126G>C, p.Glu376Gln (NM_001178133.2); short protein forms E376Q.
Identifiers: ClinVar variation 2586927 (VCV002586927.2), dbSNP rs2135930350, ClinGen allele CA377914395.
Genomic context (GRCh38, chr10:102,615,371, plus strand): 5'-ATTCCCCATGAGCTGATTCGCACGCGGCAGCTTGAGAGCGTACATCTGAAATTCAACCAG[G>C]AGTCCGGAGCCCTCATTCCTCTCTGCCTAAGGTGAGCGAGACAGCCCTGCCACACAGTTT-3'
Protein context (NP_057253.2, residues 366-386): LESVHLKFNQ[Glu376Gln]SGALIPLCLR